The following is an entry in ClinVar:

ClinVar aggregate classification (germline): Likely benign. Review status: criteria provided, multiple submitters, no conflicts (2 of 4 stars). 2 submissions from 2 submitters: Likely benign (2). Last evaluated 2025-06-01.

Allele frequency attached by ClinVar (database versions not stated): gnomAD 0.00004; TOPMed 0.00004; ESP Exome Variant Server 0.00008.
gnomAD v4.1: 59 of 1,609,992 alleles (0.0037%); highest among the groups gnomAD compares: Middle Eastern, 0.016%; no homozygotes.

Submissions (2):

CeGaT Center for Human Genetics Tuebingen
Classification: Likely benign. Last evaluated: 2025-06-01. Review status: criteria provided, single submitter. Criteria: CeGaT Center For Human Genetics Tuebingen Variant Classification Criteria Version 2. Collection method: clinical testing. Allele origin: germline. Affected: yes. Observed: 1 variant allele.
Comment: HSPG2: BP4, BP7

Labcorp Genetics (formerly Invitae), Labcorp
Classification: Likely benign. Last evaluated: 2023-06-15. Review status: criteria provided, single submitter. Criteria: Invitae Variant Classification Sherloc (09022015). Collection method: clinical testing. Allele origin: germline.

NM_005529.7(HSPG2):c.4611C>T (p.Ile1537=)

Gene: HSPG2 (heparan sulfate proteoglycan 2; minus strand). Cytogenetic location: 1p36.12.
Variant type: single nucleotide variant.
Coding change: c.4611C>T on transcript NM_005529.7 (MANE Select); coding-DNA position 4611, C replaced by T.
Protein change: p.Ile1537=; no amino-acid change (isoleucine 1537 retained).
Molecular consequence: synonymous variant.
Genome position (GRCh38, 1-based): chr1:21,864,858, G>A on the plus strand (C>T on the coding strand, the complement: HSPG2 is on the minus strand). VCF-style: chr1-21864858-G-A. GRCh37 (hg19) VCF-style: chr1-22191351-G-A.
Other names: c.4614C>T, p.Ile1538= (NM_001291860.2).
Identifiers: ClinVar variation 755103 (VCV000755103.14), dbSNP rs139495842, ClinGen allele CA672214.